The following is an entry in ClinVar:

NM_000441.2(SLC26A4):c.1204G>A (p.Val402Met)

Gene: SLC26A4 (solute carrier family 26 member 4; plus strand). Cytogenetic location: 7q22.3.
Variant type: single nucleotide variant.
Coding change: c.1204G>A on transcript NM_000441.2 (MANE Select); coding-DNA position 1204, G replaced by A.
Protein change: p.Val402Met; replaces valine 402 with methionine.
Molecular consequence: missense variant.
Genome position (GRCh38, 1-based): chr7:107,690,178, G>A. VCF-style: chr7-107690178-G-A. GRCh37 (hg19) VCF-style: chr7-107330623-G-A.
Other names: short protein forms V402M.
Identifiers: ClinVar variation 43495 (VCV000043495.17), dbSNP rs397516414, ClinGen allele CA261400.
Genomic context (GRCh38, chr7:107,690,178, plus strand): 5'-CCTTAGGAATTCATTGCCTTTGGGATCAGCAACATCTTCTCAGGATTCTTCTCTTGTTTT[G>A]TGGCCACCACTGCTCTTTCCCGCACGGCCGTCCAGGAGAGCACTGGAGGAAAGACACAGG-3'
Protein context (NP_000432.1, residues 392-412): NIFSGFFSCF[Val402Met]ATTALSRTAV

ClinVar aggregate classification (germline): Pathogenic. Review status: reviewed by expert panel (3 of 4 stars). 7 submissions from 7 submitters: Pathogenic (1). 6 of the submissions do not count toward it. Last evaluated 2020-02-19.

Conditions:
Rare genetic deafness. Identifiers: Orphanet 96210, MedGen C5680250.
Pendred syndrome (PDS). Also called: DEAFNESS WITH GOITER; GOITER-DEAFNESS SYNDROME; HYPOTHYROIDISM, CONGENITAL, DUE TO DYSHORMONOGENESIS, 2B; THYROID DYSHORMONOGENESIS 2B; THYROID HORMONOGENESIS, GENETIC DEFECT IN, 2B; Pendred Syndrome (PDS). Identifiers: Orphanet 705, MedGen C0271829, MONDO:0010134, OMIM 274600.
Autosomal recessive nonsyndromic hearing loss 4 (DFNB4). Also called: Nonsyndromic enlarged vestibular aqueduct (NSEVA); NEUROSENSORY NONSYNDROMIC RECESSIVE DEAFNESS 4; Deafness, autosomal recessive 4; Deafness, autosomal recessive 4, with enlarged vestibular aqueduct; Enlarged vestibular aqueduct, digenic; FOXI1-Related Pendred Syndrome. Identifiers: Orphanet 90636, MedGen C3538946, MONDO:0010933, OMIM 600791.

Allele frequency attached by ClinVar (database versions not stated): gnomAD exomes below 0.00001.
gnomAD v4.1: 6 of 1,613,580 alleles (0.00037%); highest among the groups gnomAD compares: Non-Finnish European, 0.00051%; no homozygotes.

Submissions (7):

ClinGen Hearing Loss Variant Curation Expert Panel
Classification: Pathogenic for Pendred syndrome. Last evaluated: 2020-02-19. Review status: reviewed by expert panel. Criteria: ClinGen HL ACMG Specifications v1. Collection method: curation. Allele origin: germline. Inheritance: Autosomal recessive inheritance.
Comment: The p.Val402Met variant in SLC26A4 was absent from gnomAD v2.1.1 and v3 (PM2). This variant has been detected in 2 probands with hearing loss. For both patients, a pathogenic or suspected-pathogenic variant was observed in trans (PM3_Strong, PMID:19204907, Partners LMM unpublished data SCV000060082.6). The variant has been reported to segregate in one affected family member (PP1, PMID:19204907). At least one proband with this variant displayed features of sensorineural hearing loss and enlarged vestibular aqueduct, a phenotype specific for Pendred syndrome (PP4, LMM unpublished data SCV000060082.6). Functional studies including fluorescence assays have demonstrated that this variant impacts protein function (PS3_Supporting; PMID:19204907). The REVEL computational prediction analysis tool produced a score of 0.77, which is above the threshold necessary to apply PP3. In summary, this variant meets criteria to be classified as pathogenic for autosomal recessive Pendred syndrome based on the ACMG/AMP criteria applied as specified by the Hearing Loss Expert Panel (PM3_Strong, PM2, PP1, PP3, PP4, PS3_Supporting).

Myriad Genetics, Inc.
Classification: Likely pathogenic for Pendred syndrome. Last evaluated: 2026-04-23. Review status: criteria provided, single submitter. Criteria: Myriad Autosomal Dominant, Autosomal Recessive and X-Linked Classification Criteria (2023). Collection method: clinical testing. Allele origin: unknown. Not counted in ClinVar's aggregate classification.
Comment: NM_000441.1(SLC26A4):c.1204G>A(V402M) is a missense variant classified as likely pathogenic in the context of Pendred syndrome. V402M has been observed in cases with relevant disease (PMID: 19204907). Relevant functional assessments of this variant are available in the literature (PMID: 19204907, 38474007). V402M has not been observed in referenced population frequency databases. In summary, NM_000441.1(SLC26A4):c.1204G>A(V402M) is a missense variant that has functional support for pathogenicity and has been observed more frequently in cases with the relevant disease than in healthy populations. Please note: this variant was assessed in the context of healthy population screening.

Natera, Inc.
Classification: Likely pathogenic for Pendred syndrome. Last evaluated: 2024-12-09. Review status: criteria provided, single submitter. Criteria: Natera Variant Classification Schema (03/2026). Collection method: clinical testing. Allele origin: germline. Not counted in ClinVar's aggregate classification.
Comment: The c.1204G>A variant in SLC26A4 is a missense variant predicted to cause substitution of valine to methionine at amino acid 402. This variant is rare in the general population with a frequency below the threshold expected for the associated phenotype(s). This variant has been observed in one or more individuals affected with the associated recessive disease, as either homozygous or compound heterozygous with a second variant (PMID: 19204907). This variant has been observed to segregate in affected family members (PMID: 19204907). Functional studies show that this variant may disrupt protein function (PMID: 38474007). Computational prediction algorithms indicate this variant is likely to affect gene or protein function. Given the available evidence, this variant is classified as Likely Pathogenic.

Women's Health and Genetics/Laboratory Corporation of America, LabCorp
Classification: Likely pathogenic for Pendred syndrome. Last evaluated: 2024-10-14. Review status: criteria provided, single submitter. Criteria: LabCorp Variant Classification Summary - May 2015. Collection method: clinical testing. Allele origin: germline. Not counted in ClinVar's aggregate classification.
Comment: Variant summary: SLC26A4 c.1204G>A (p.Val402Met) results in a conservative amino acid change located in the SLC26A/SulP transporter domain of the encoded protein sequence. Four of five in-silico tools predict a damaging effect of the variant on protein function. The variant was absent in 250984 control chromosomes. c.1204G>A has been reported in the literature in two compound heterozygous siblings affected with hearing loss and enlargement of the vestibular aqueduct (e.g., Choi_2009). These data indicate that the variant may be associated with disease. At least two publications report experimental evidence evaluating an impact on protein function (e.g., Choi_2009, Takahashi_2024). The most pronounced variant effect results in <10% of normal anion transport function in a fluorometric antiport assay (e.g., Takahashi_2024). The following publications have been ascertained in the context of this evaluation (PMID: 19204907, 38474007). ClinVar contains an entry for this variant (Variation ID: 43495). Based on the evidence outlined above, the variant was classified as likely pathogenic.

Baylor Genetics
Classification: Likely pathogenic for Autosomal recessive nonsyndromic hearing loss 4. Last evaluated: 2023-01-23. Review status: criteria provided, single submitter. Criteria: ACMG Guidelines, 2015. Collection method: clinical testing. Allele origin: unknown. Not counted in ClinVar's aggregate classification.

GeneDx
Classification: Pathogenic. Last evaluated: 2022-01-26. Review status: criteria provided, single submitter. Criteria: GeneDx Variant Classification Process June 2021. Collection method: clinical testing. Allele origin: germline. Affected: yes. Not counted in ClinVar's aggregate classification.
Comment: Published functional studies demonstrate a damaging effect due to loss of anion transporter activity of the variant protein (Choi BY et al., 2009); Reported as pathogenic by the ClinGen Hearing Loss Expert Panel but additional evidence is not available (ClinVar SCV001334321.1; Oza et al., 2018); Not observed at significant frequency in large population cohorts (gnomAD); This variant is associated with the following publications: (PMID: 27771369, 20128824, 19204907, 30311386)

Laboratory for Molecular Medicine, Mass General Brigham Personalized Medicine
Classification: Likely pathogenic for Rare genetic deafness. Last evaluated: 2016-11-17. Review status: criteria provided, single submitter. Criteria: LMM Criteria. Collection method: clinical testing. Allele origin: germline. Inheritance: Autosomal recessive inheritance. Observed: 3 variant alleles. Not counted in ClinVar's aggregate classification.
Comment: This variant has not been reported in large population studi es. A study has shown that the p.Val402Met variant may impact protein function ( Choi 2009). In summary, although additional studies are required to fully establ ish its clinical significance, this variant is likely pathogenic.

Literature cited by the submitters: PubMed 19204907 (cited by 5 submitters); PubMed 38474007 (cited by 3 submitters).